The following is an entry in ClinVar:

NM_005121.3(MED13):c.5695T>A (p.Cys1899Ser)

Gene: MED13 (mediator complex subunit 13; minus strand). Cytogenetic location: 17q23.2.
Variant type: single nucleotide variant.
Coding change: c.5695T>A on transcript NM_005121.3 (MANE Select); coding-DNA position 5695, T replaced by A.
Protein change: p.Cys1899Ser; replaces cysteine 1899 with serine.
Molecular consequence: missense variant.
Genome position (GRCh38, 1-based): chr17:61,955,767, A>T on the plus strand (T>A on the coding strand, the complement: MED13 is on the minus strand). VCF-style: chr17-61955767-A-T. GRCh37 (hg19) VCF-style: chr17-60033128-A-T.
Other names: short protein forms C1899S.
Identifiers: ClinVar variation 3394554 (VCV003394554.2).

ClinVar aggregate classification (germline): Uncertain significance. Review status: criteria provided, multiple submitters, no conflicts (2 of 4 stars). 2 submissions from 2 submitters: Uncertain significance (2). Last evaluated 2025-04-15.

Conditions:
Inborn genetic diseases. Identifiers: MedGen C0950123, MeSH D030342.

Submissions (2):

GeneDx
Classification: Uncertain significance. Last evaluated: 2025-04-15. Review status: criteria provided, single submitter. Criteria: GeneDx Variant Classification Process June 2021. Collection method: clinical testing. Allele origin: germline. Affected: yes.
Comment: Not observed at significant frequency in large population cohorts (gnomAD); In silico analysis supports that this missense variant has a deleterious effect on protein structure/function; Has not been previously published as pathogenic or benign to our knowledge

Ambry Genetics
Classification: Uncertain significance for Inborn genetic diseases. Last evaluated: 2024-11-12. Review status: criteria provided, single submitter. Criteria: Ambry Variant Classification Scheme 2023. Collection method: clinical testing. Allele origin: germline.
Comment: The c.5695T>A (p.C1899S) alteration is located in exon 25 (coding exon 25) of the MED13 gene. This alteration results from a T to A substitution at nucleotide position 5695, causing the cysteine (C) at amino acid position 1899 to be replaced by a serine (S). This variant was not reported in population-based cohorts in the Genome Aggregation Database (gnomAD). This amino acid position is highly conserved in available vertebrate species. This alteration is predicted to be deleterious by in silico analysis. Based on insufficient or conflicting evidence, the clinical significance of this alteration remains unclear.